The following is an entry in ClinVar:

ClinVar aggregate classification (germline): Uncertain significance. Review status: criteria provided, multiple submitters, no conflicts (2 of 4 stars). 3 submissions from 3 submitters: Uncertain significance (3). Last evaluated 2024-11-07.

Conditions:
Developmental regression. Also called: C1836830. Identifiers: MedGen C1836830, HP:0002376.

Allele frequency attached by ClinVar (database versions not stated): gnomAD 0.00001; gnomAD exomes 0.00001 and 0.00003; TOPMed 0.00001; ExAC 0.00002.

Submissions (3):

Blueprint Genetics
Classification: Uncertain significance. Last evaluated: 2024-11-07. Review status: criteria provided, single submitter. Criteria: ACMG Guidelines, 2015. Collection method: clinical testing. Allele origin: germline.

Labcorp Genetics (formerly Invitae), Labcorp
Classification: Uncertain significance. Last evaluated: 2021-09-29. Review status: criteria provided, single submitter. Criteria: Invitae Variant Classification Sherloc (09022015). Collection method: clinical testing. Allele origin: germline.
Comment: This variant is present in population databases (rs753367800, ExAC 0.003%). This variant, c.557_559del, is a complex sequence change that results in the deletion of 2 and insertion of 1 amino acid(s) in the NDUFAF6 protein (p.Leu186_Tyr187delinsHis). This variant has not been reported in the literature in individuals affected with NDUFAF6-related conditions. In summary, the available evidence is currently insufficient to determine the role of this variant in disease. Therefore, it has been classified as a Variant of Uncertain Significance. Experimental studies and prediction algorithms are not available or were not evaluated, and the functional significance of this variant is currently unknown. ClinVar contains an entry for this variant (Variation ID: 523559).

Centre for Mendelian Genomics, University Medical Centre Ljubljana
Classification: Uncertain significance for Developmental regression. Last evaluated: 2017-01-01. Review status: criteria provided, single submitter. Criteria: ACMG Guidelines, 2015. Collection method: clinical testing. Allele origin: unknown. Affected: yes.

NM_152416.4(NDUFAF6):c.557_559del (p.Leu186_Tyr187delinsHis)

Gene: NDUFAF6 (NADH:ubiquinone oxidoreductase complex assembly factor 6; plus strand). Cytogenetic location: 8q22.1.
Variant type: Deletion.
Coding change: c.557_559del on transcript NM_152416.4 (MANE Select); coding-DNA positions 557 to 559, 3 bases deleted (TTT; older notation c.557_559delTTT).
Protein change: p.Leu186_Tyr187delinsHis.
Molecular consequence: inframe indel. On other transcripts: non-coding transcript variant (6).
Genome position (GRCh38, 1-based): chr8:95,045,624-95,045,626, TTT deleted. VCF-style (leftmost placement, unchanged base first): chr8-95045623-CTTT-C. GRCh37 (hg19) VCF-style: chr8-96057851-CTTT-C.
Other names: c.281_283del, p.Leu94_Tyr95delinsHis (NM_001330582.2, NM_001354514.2, NM_001354515.2 and 1 more transcripts); c.401_403del, p.Leu134_Tyr135delinsHis (NM_001354516.2); c.224_226del, p.Leu75_Tyr76delinsHis (NM_001354517.2, NM_001354518.2, NM_001354519.2 and 1 more transcripts); c.101_103del, p.Leu34_Tyr35delinsHis (NM_001354522.2, NM_001354524.2, NM_001354525.2 and 7 more transcripts).
Identifiers: ClinVar variation 523559 (VCV000523559.8), dbSNP rs753367800, ClinGen allele CA4814839.